The following is an entry in ClinVar:

ClinVar aggregate classification (germline): Likely pathogenic (1 of 4 stars; one submission).

Conditions:
Giant axonal neuropathy 1 (GAN1). Also called: GIANT AXONAL NEUROPATHY 1, AUTOSOMAL RECESSIVE; GAN-Related Neurodegeneration. Identifiers: Orphanet 643, MedGen C1850386, MONDO:0009749, OMIM 256850.

Allele frequency attached by ClinVar (database versions not stated): TOPMed 0.00001.

Submission:

Labcorp Genetics (formerly Invitae), Labcorp
Classification: Likely pathogenic for Giant axonal neuropathy 1. Last evaluated: 2023-10-03. Review status: criteria provided, single submitter. Criteria: Invitae Variant Classification Sherloc (09022015). Collection method: clinical testing. Allele origin: germline.
Comment: This sequence change affects an acceptor splice site in intron 4 of the GAN gene. It is expected to disrupt RNA splicing. Variants that disrupt the donor or acceptor splice site typically lead to a loss of protein function (PMID: 16199547), and loss-of-function variants in GAN are known to be pathogenic (PMID: 12655563, 14718689, 23890932). This variant is not present in population databases (gnomAD no frequency). This variant has not been reported in the literature in individuals affected with GAN-related conditions. ClinVar contains an entry for this variant (Variation ID: 1481440). Algorithms developed to predict the effect of sequence changes on RNA splicing suggest that this variant may disrupt the consensus splice site. In summary, the currently available evidence indicates that the variant is pathogenic, but additional data are needed to prove that conclusively. Therefore, this variant has been classified as Likely Pathogenic.

Literature cited by the submitters: PubMed 16199547; PubMed 12655563; PubMed 14718689; PubMed 23890932.

NM_022041.4(GAN):c.852-1G>T

Gene: GAN (gigaxonin; plus strand). Cytogenetic location: 16q23.2.
Variant type: single nucleotide variant.
Coding change: c.852-1G>T on transcript NM_022041.4 (MANE Select); the canonical splice acceptor site of the intron before coding-DNA position 852, G replaced by T.
Molecular consequence: splice acceptor variant.
Genome position (GRCh38, 1-based): chr16:81,357,809, G>T. VCF-style: chr16-81357809-G-T. GRCh37 (hg19) VCF-style: chr16-81391414-G-T.
Other names: c.213-1G>T (NM_001377486.1).
Identifiers: ClinVar variation 1481440 (VCV001481440.6), dbSNP rs1408504352, ClinGen allele CA396873048.